The following is an entry in ClinVar:

NM_001099271.2(POC5):c.569G>A (p.Arg190Gln)

Gene: POC5 (POC5 centriolar protein; minus strand). Cytogenetic location: 5q13.3.
Variant type: single nucleotide variant.
Coding change: c.569G>A on transcript NM_001099271.2 (MANE Select); coding-DNA position 569, G replaced by A.
Protein change: p.Arg190Gln; replaces arginine 190 with glutamine.
Molecular consequence: missense variant.
Genome position (GRCh38, 1-based): chr5:75,694,776, C>T on the plus strand (G>A on the coding strand, the complement: POC5 is on the minus strand). VCF-style: chr5-75694776-C-T. GRCh37 (hg19) VCF-style: chr5-74990601-C-T.
Other names: c.569G>A (NM_001099271.1); c.494G>A, p.Arg165Gln (NM_152408.3); short protein forms R165Q, R190Q.
Identifiers: ClinVar variation 2176155 (VCV002176155.5), dbSNP rs760667470, ClinGen allele CA3310541.

ClinVar aggregate classification (germline): Uncertain significance. Review status: criteria provided, multiple submitters, no conflicts (2 of 4 stars). 2 submissions from 2 submitters: Uncertain significance (2). Last evaluated 2024-11-05.

Allele frequency attached by ClinVar (database versions not stated): ExAC 0.00002; gnomAD 0.00003; TOPMed 0.00003.
gnomAD v4.1: 47 of 1,579,402 alleles (0.003%); highest among the groups gnomAD compares: Admixed American, 0.0085%; no homozygotes.

Submissions (2):

Labcorp Genetics (formerly Invitae), Labcorp
Classification: Uncertain significance. Last evaluated: 2024-11-05. Review status: criteria provided, single submitter. Criteria: Invitae Variant Classification Sherloc (09022015). Collection method: clinical testing. Allele origin: germline.
Comment: This sequence change replaces arginine, which is basic and polar, with glutamine, which is neutral and polar, at codon 190 of the POC5 protein (p.Arg190Gln). This variant is present in population databases (rs760667470, gnomAD 0.009%). This variant has not been reported in the literature in individuals affected with POC5-related conditions. ClinVar contains an entry for this variant (Variation ID: 2176155). An algorithm developed to predict the effect of missense changes on protein structure and function (PolyPhen-2) suggests that this variant is likely to be tolerated. In summary, the available evidence is currently insufficient to determine the role of this variant in disease. Therefore, it has been classified as a Variant of Uncertain Significance.

Ambry Genetics
Classification: Uncertain significance. Last evaluated: 2021-06-22. Review status: criteria provided, single submitter. Criteria: Ambry Variant Classification Scheme 2023. Collection method: clinical testing. Allele origin: germline.